The following is an entry in ClinVar:

ClinVar aggregate classification (germline): Likely benign. Review status: criteria provided, multiple submitters, no conflicts (2 of 4 stars). 2 submissions from 2 submitters: Likely benign (2). Last evaluated 2025-12-31.

Conditions:
KMT2D-related disorder. Also called: KMT2D-Related Disorders.
Kabuki syndrome. Also called: NIIKAWA-KUROKI SYNDROME; Kabuki make-up syndrome. Identifiers: Orphanet 2322, MedGen C0796004, MONDO:0016512.

Allele frequency attached by ClinVar (database versions not stated): gnomAD exomes below 0.00001; ExAC 0.00001; gnomAD 0.00001; 1000 Genomes Project 0.00020; 1000 Genomes Project 30x 0.00031.
gnomAD v4.1: 6 of 1,574,858 alleles (0.00038%); highest among the groups gnomAD compares: South Asian, 0.0059%; no homozygotes.

Submissions (2):

PreventionGenetics, part of Exact Sciences
Classification: Likely benign for KMT2D-related condition. Last evaluated: 2025-12-31. Review status: criteria provided, single submitter. Criteria: ACMG Guidelines, 2015. Collection method: clinical testing. Allele origin: germline.
Comment: This variant is classified as likely benign based on ACMG/AMP sequence variant interpretation guidelines (Richards et al. 2015 PMID: 25741868, with internal and published modifications).

Labcorp Genetics (formerly Invitae), Labcorp
Classification: Likely benign for Kabuki syndrome. Last evaluated: 2023-09-06. Review status: criteria provided, single submitter. Criteria: Invitae Variant Classification Sherloc (09022015). Collection method: clinical testing. Allele origin: germline.

NM_003482.4(KMT2D):c.1368A>T (p.Ser456=)

Gene: KMT2D (lysine methyltransferase 2D; minus strand). Cytogenetic location: 12q13.12.
Variant type: single nucleotide variant.
Coding change: c.1368A>T on transcript NM_003482.4 (MANE Select); coding-DNA position 1368, A replaced by T.
Protein change: p.Ser456=; no amino-acid change (serine 456 retained).
Molecular consequence: synonymous variant.
Genome position (GRCh38, 1-based): chr12:49,052,315, T>A on the plus strand (A>T on the coding strand, the complement: KMT2D is on the minus strand). VCF-style: chr12-49052315-T-A. GRCh37 (hg19) VCF-style: chr12-49446098-T-A.
Identifiers: ClinVar variation 2200797 (VCV002200797.5), dbSNP rs532111595, ClinGen allele CA6548498.